The following is an entry in ClinVar:

ClinVar aggregate classification (germline): Benign. Review status: criteria provided, multiple submitters, no conflicts (2 of 4 stars). 4 submissions from 4 submitters: Benign (3). 1 of the submissions does not count toward it. Last evaluated 2026-09-01.

Conditions:
ABCA2-related disorder. Also called: ABCA2-related condition.

Allele frequency attached by ClinVar (database versions not stated): 1000 Genomes Project 0.00599; 1000 Genomes Project 30x 0.00718; ESP Exome Variant Server 0.00830; gnomAD 0.00862 and 0.00889; ExAC 0.00897; gnomAD exomes 0.00912; TOPMed 0.00969.
gnomAD v4.1: 17,294 of 1,611,640 alleles (1.1%); highest among the groups gnomAD compares: Admixed American, 1.3%; 113 homozygotes.

Submissions (4):

CeGaT Center for Human Genetics Tuebingen
Classification: Benign. Last evaluated: 2026-09-01. Review status: criteria provided, single submitter. Criteria: CeGaT Center For Human Genetics Tuebingen Variant Classification Criteria Version 2. Collection method: clinical testing. Allele origin: germline. Affected: yes. Observed: 33 variant alleles.
Comment: ABCA2: BS1, BS2

Labcorp Genetics (formerly Invitae), Labcorp
Classification: Benign. Last evaluated: 2019-12-31. Review status: criteria provided, single submitter. Criteria: Invitae Variant Classification Sherloc (09022015). Collection method: clinical testing. Allele origin: germline.

Breakthrough Genomics
Classification: Benign. Review status: criteria provided, single submitter. Criteria: ACMG Guidelines, 2015. Collection method: not provided. Allele origin: germline. Inheritance: Autosomal recessive inheritance. Affected: yes.

PreventionGenetics, part of Exact Sciences
Classification: Benign for ABCA2-related condition. Last evaluated: 2020-01-22. Review status: no assertion criteria provided. Collection method: clinical testing. Allele origin: germline. Not counted in ClinVar's aggregate classification.
Comment: This variant is classified as benign based on ACMG/AMP sequence variant interpretation guidelines (Richards et al. 2015 PMID: 25741868, with internal and published modifications).

NM_001606.5(ABCA2):c.4267G>T (p.Val1423Phe)

Gene: ABCA2 (ATP binding cassette subfamily A member 2; minus strand). Cytogenetic location: 9q34.3.
Variant type: single nucleotide variant.
Coding change: c.4267G>T on transcript NM_001606.5 (MANE Select); coding-DNA position 4267, G replaced by T.
Protein change: p.Val1423Phe; replaces valine 1423 with phenylalanine.
Molecular consequence: missense variant.
Genome position (GRCh38, 1-based): chr9:137,014,012, C>A on the plus strand (G>T on the coding strand, the complement: ABCA2 is on the minus strand). VCF-style: chr9-137014012-C-A. GRCh37 (hg19) VCF-style: chr9-139908464-C-A.
Other names: c.4357G>T, p.Val1453Phe (NM_212533.3); short protein forms V1423F, V1453F.
Identifiers: ClinVar variation 789025 (VCV000789025.29), dbSNP rs147917446, ClinGen allele CA5354441.
Genomic context (GRCh38, chr9:137,014,012, plus strand): 5'-GCCCGTGGAACTGGCGCACCTTCAGCCACCCGCCGTCCAGCTTGCGGCTGCCCTGGCCGA[C>A]CCTCGACAGGGCCTCTGCCTCCACCTCTGTGCAGAGAGGTAGAGGCTGAGCAGGTGGTTG-3'
Protein context (NP_001597.2, residues 1413-1433): QEVEAEALSR[Val1423Phe]GQGSRKLDGG